The following is an entry in ClinVar:

ClinVar aggregate classification (germline): Likely benign. Review status: criteria provided, multiple submitters, no conflicts (2 of 4 stars). 2 submissions from 2 submitters: Likely benign (2). Last evaluated 2025-05-21.

Conditions:
Familial hypercholesterolemia. Also called: Familial hypercholesterolemias; Familial hypercholesterolaemia. Identifiers: MedGen C0020445, MONDO:0005439.

Submissions (2):

GENinCode PLC
Classification: Likely benign for Familial hypercholesterolemia. Last evaluated: 2025-05-21. Review status: criteria provided, single submitter. Criteria: ACMG Guidelines, 2015. Collection method: clinical testing. Allele origin: germline.
Comment: This is a synonymous (silent) variant that is not predicted to impact splicing and occurs at a nucleotide which is not highly conserved. This variant has been classified as Likely Benign (BP4, BP7).

CeGaT Center for Human Genetics Tuebingen
Classification: Likely benign. Last evaluated: 2024-12-01. Review status: criteria provided, single submitter. Criteria: CeGaT Center For Human Genetics Tuebingen Variant Classification Criteria Version 2. Collection method: clinical testing. Allele origin: germline. Affected: yes. Observed: 1 variant allele.
Comment: APOB: PM2:Supporting, BP4, BP7

NM_000384.3(APOB):c.4848T>C (p.Ser1616=)

Gene: APOB (apolipoprotein B; minus strand). Cytogenetic location: 2p24.1.
Variant type: single nucleotide variant.
Coding change: c.4848T>C on transcript NM_000384.3 (MANE Select); coding-DNA position 4848, T replaced by C.
Protein change: p.Ser1616=; no amino-acid change (serine 1616 retained).
Molecular consequence: synonymous variant.
Genome position (GRCh38, 1-based): chr2:21,012,020, A>G on the plus strand (T>C on the coding strand, the complement: APOB is on the minus strand). VCF-style: chr2-21012020-A-G. GRCh37 (hg19) VCF-style: chr2-21234892-A-G.
Other names: c.4848T>C (NM_000384.2).
Identifiers: ClinVar variation 3771665 (VCV003771665.14).